The following is an entry in ClinVar:

ClinVar aggregate classification (germline): Uncertain significance (1 of 4 stars; one submission).

Conditions:
GREB1L-related disorder. Also called: GREB1L-related condition.

Submission:

PreventionGenetics, part of Exact Sciences
Classification: Uncertain significance for GREB1L-related condition. Last evaluated: 2023-08-08. Review status: criteria provided, single submitter. Criteria: ACMG Guidelines, 2015. Collection method: clinical testing. Allele origin: germline.
Comment: The GREB1L c.3914C>T variant is predicted to result in the amino acid substitution p.Ala1305Val. To our knowledge, this variant has not been reported in the literature or in a large population database, indicating this variant is rare. At this time, the clinical significance of this variant is uncertain due to the absence of conclusive functional and genetic evidence.

NM_001142966.3(GREB1L):c.3914C>T (p.Ala1305Val)

Gene: GREB1L (GREB1 like retinoic acid receptor coactivator; plus strand). Cytogenetic location: 18q11.2.
Variant type: single nucleotide variant.
Coding change: c.3914C>T on transcript NM_001142966.3 (MANE Select); coding-DNA position 3914, C replaced by T.
Protein change: p.Ala1305Val; replaces alanine 1305 with valine.
Molecular consequence: missense variant.
Genome position (GRCh38, 1-based): chr18:21,500,251, C>T. VCF-style: chr18-21500251-C-T. GRCh37 (hg19) VCF-style: chr18-19080212-C-T.
Other names: c.4043C>T, p.Ala1348Val (NM_001410867.1); c.3587C>T, p.Ala1196Val (NM_001410868.1); short protein forms A1196V, A1305V, A1348V.
Identifiers: ClinVar variation 2631273 (VCV002631273.1), dbSNP rs2511869537, ClinGen allele CA401752979.